The following is an entry in ClinVar:

ClinVar aggregate classification (germline): Uncertain significance (1 of 4 stars; one submission).

Conditions:
Inborn genetic diseases. Identifiers: MedGen C0950123, MeSH D030342.

Allele frequency attached by ClinVar (database versions not stated): TOPMed 0.00001.

Submission:

Ambry Genetics
Classification: Uncertain significance for Inborn genetic diseases. Last evaluated: 2023-08-30. Review status: criteria provided, single submitter. Criteria: Ambry Variant Classification Scheme 2023. Collection method: clinical testing. Allele origin: germline.
Comment: The p.N1871H variant (also known as c.5611A>C), located in coding exon 38 of the LRRK2 gene, results from an A to C substitution at nucleotide position 5611. The asparagine at codon 1871 is replaced by histidine, an amino acid with similar properties. This amino acid position is conserved. In addition, this alteration is predicted to be tolerated by in silico analysis. Since supporting evidence is limited at this time, the clinical significance of this alteration remains unclear.

NM_198578.4(LRRK2):c.5611A>C (p.Asn1871His)

Gene: LRRK2 (leucine rich repeat kinase 2; plus strand). Cytogenetic location: 12q12.
Variant type: single nucleotide variant.
Coding change: c.5611A>C on transcript NM_198578.4 (MANE Select); coding-DNA position 5611, A replaced by C.
Protein change: p.Asn1871His; replaces asparagine 1871 with histidine.
Molecular consequence: missense variant.
Genome position (GRCh38, 1-based): chr12:40,323,261, A>C. VCF-style: chr12-40323261-A-C. GRCh37 (hg19) VCF-style: chr12-40717063-A-C.
Other names: short protein forms N1871H.
Identifiers: ClinVar variation 2624886 (VCV002624886.2), dbSNP rs1945453188, ClinGen allele CA384421164.
Genomic context (GRCh38, chr12:40,323,261, plus strand): 5'-CCAATATCTCAGATTGCCCCTGACTTGATTTTGGCTGACCTGCCTAGAAATATTATGTTG[A>C]ATAATGATGAGTTGGAATTTGAACAAGCTCCAGAGTTTCTCCTAGGTAATTCTTTTTGTT-3'
Protein context (NP_940980.4, residues 1861-1881): LADLPRNIML[Asn1871His]NDELEFEQAP